The following is an entry in ClinVar:

ClinVar aggregate classification (germline): Uncertain significance (1 of 4 stars; one submission).

Submission:

Labcorp Genetics (formerly Invitae), Labcorp
Classification: Uncertain significance. Last evaluated: 2026-01-27. Review status: criteria provided, single submitter. Criteria: Invitae Variant Classification Sherloc (09022015). Collection method: clinical testing. Allele origin: germline.
Comment: This sequence change replaces leucine, which is neutral and non-polar, with proline, which is neutral and non-polar, at codon 364 of the COL11A2 protein (p.Leu364Pro). This variant is not present in population databases (gnomAD no frequency). This variant has not been reported in the literature in individuals affected with COL11A2-related conditions. Invitae Evidence Modeling of protein sequence and biophysical properties (such as structural, functional, and spatial information, amino acid conservation, physicochemical variation, residue mobility, and thermodynamic stability) indicates that this missense variant is not expected to disrupt COL11A2 protein function with a negative predictive value of 95%. In summary, the available evidence is currently insufficient to determine the role of this variant in disease. Therefore, it has been classified as a Variant of Uncertain Significance.

NM_080680.3(COL11A2):c.1091T>C (p.Leu364Pro)

Gene: COL11A2 (collagen type XI alpha 2 chain; minus strand). Cytogenetic location: 6p21.32.
Variant type: single nucleotide variant.
Coding change: c.1091T>C on transcript NM_080680.3 (MANE Select); coding-DNA position 1091, T replaced by C.
Protein change: p.Leu364Pro; replaces leucine 364 with proline.
Molecular consequence: missense variant. On other transcripts: intron variant (5).
Genome position (GRCh38, 1-based): chr6:33,184,173, A>G on the plus strand (T>C on the coding strand, the complement: COL11A2 is on the minus strand). VCF-style: chr6-33184173-A-G. GRCh37 (hg19) VCF-style: chr6-33151950-A-G.
Other names: c.245T>C, p.Leu82Pro (NM_001424109.1); c.93+819T>C (NM_001424111.1, NM_001424110.1); c.798+2454T>C (NM_080679.3); c.861+819T>C (NM_080681.3); c.939+819T>C (NM_001424108.1); short protein forms L364P, L82P.
Identifiers: ClinVar variation 4801330 (VCV004801330.1).